The following is an entry in ClinVar:

NM_024577.4(SH3TC2):c.3807G>T (p.Arg1269Ser)

Gene: SH3TC2 (SH3 domain and tetratricopeptide repeats 2; minus strand). Cytogenetic location: 5q32.
Variant type: single nucleotide variant.
Coding change: c.3807G>T on transcript NM_024577.4 (MANE Select); coding-DNA position 3807, G replaced by T.
Protein change: p.Arg1269Ser; replaces arginine 1269 with serine.
Molecular consequence: missense variant.
Genome position (GRCh38, 1-based): chr5:149,004,771, C>A on the plus strand (G>T on the coding strand, the complement: SH3TC2 is on the minus strand). VCF-style: chr5-149004771-C-A. GRCh37 (hg19) VCF-style: chr5-148384334-C-A.
Other names: short protein forms R1269S.
Identifiers: ClinVar variation 1525142 (VCV001525142.8), dbSNP rs370090569, ClinGen allele CA3498624.
Genomic context (GRCh38, chr5:149,004,771, plus strand): 5'-TCAGAGGGCCAGGCCACCACCACTCAGCCACCGCGCCCTCTCTGAGGAGCACCCGGAGGG[C>A]CTGCTGTGCCACAGGGGGCTCTGGCAGATGTTGTCCAGCCTGCTCCTAATGGTGTCCTGA-3'
Protein context (NP_078853.2, residues 1259-1279): NICQSPLWHS[Arg1269Ser]PSGCSSERAR

ClinVar aggregate classification (germline): Uncertain significance (1 of 4 stars; one submission).

Conditions:
Charcot-Marie-Tooth disease type 4. Also called: Charcot-Marie-Tooth disease, type IV; Charcot-Marie-Tooth, Type 4. Identifiers: Orphanet 64749, MedGen C4082197, MONDO:0018995.

gnomAD v4.1: 5 of 1,614,074 alleles (0.00031%); highest among the groups gnomAD compares: Non-Finnish European, 0.00042%; no homozygotes.

Submission:

Labcorp Genetics (formerly Invitae), Labcorp
Classification: Uncertain significance for Charcot-Marie-Tooth disease type 4. Last evaluated: 2021-04-10. Review status: criteria provided, single submitter. Criteria: Invitae Variant Classification Sherloc (09022015). Collection method: clinical testing. Allele origin: germline.
Comment: Advanced modeling of protein sequence and biophysical properties (such as structural, functional, and spatial information, amino acid conservation, physicochemical variation, residue mobility, and thermodynamic stability) performed at Invitae indicates that this missense variant is not expected to disrupt SH3TC2 protein function. In summary, the available evidence is currently insufficient to determine the role of this variant in disease. Therefore, it has been classified as a Variant of Uncertain Significance. This variant has not been reported in the literature in individuals with SH3TC2-related conditions. This variant is present in population databases (rs370090569, ExAC 0.002%). This sequence change replaces arginine with serine at codon 1269 of the SH3TC2 protein (p.Arg1269Ser). The arginine residue is weakly conserved and there is a moderate physicochemical difference between arginine and serine.